The following is an entry in ClinVar:

NM_015178.3(RHOBTB2):c.1933A>T (p.Lys645Ter)

Gene: RHOBTB2 (Rho related BTB domain containing 2; plus strand). Cytogenetic location: 8p21.3.
Variant type: single nucleotide variant.
Coding change: c.1933A>T on transcript NM_015178.3 (MANE Select); coding-DNA position 1933, A replaced by T.
Protein change: p.Lys645Ter; replaces lysine 645 with a stop codon.
Molecular consequence: nonsense.
Genome position (GRCh38, 1-based): chr8:23,015,710, A>T. VCF-style: chr8-23015710-A-T. GRCh37 (hg19) VCF-style: chr8-22873223-A-T.
Other names: c.1999A>T (NM_001160036.1); c.1999A>T, p.Lys667Ter (NM_001160036.2); c.1954A>T, p.Lys652Ter (NM_001160037.2); c.1933A>T, p.Lys645Ter (NM_001374791.1); short protein forms K645*, K652*, K667*.
Identifiers: ClinVar variation 3610739 (VCV003610739.3).

ClinVar aggregate classification (germline): Uncertain significance. Review status: criteria provided, multiple submitters, no conflicts (2 of 4 stars). 2 submissions from 2 submitters: Uncertain significance (2). Last evaluated 2024-11-18.

gnomAD v4.1: 7 of 1,613,636 alleles (0.00043%); highest among the groups gnomAD compares: Non-Finnish European, 0.00059%; no homozygotes.

Submissions (2):

GeneDx
Classification: Uncertain significance. Last evaluated: 2024-11-18. Review status: criteria provided, single submitter. Criteria: GeneDx Variant Classification Process June 2021. Collection method: clinical testing. Allele origin: germline. Affected: yes.
Comment: Has not been previously published as pathogenic or benign to our knowledge; Nonsense variant predicted to result in protein truncation as the last 83 amino acid(s) are lost with an unclear effect on protein function

Labcorp Genetics (formerly Invitae), Labcorp
Classification: Uncertain significance. Last evaluated: 2024-08-09. Review status: criteria provided, single submitter. Criteria: Invitae Variant Classification Sherloc (09022015). Collection method: clinical testing. Allele origin: germline.
Comment: This sequence change creates a premature translational stop signal (p.Lys667*) in the RHOBTB2 gene. While this is not anticipated to result in nonsense mediated decay, it is expected to disrupt the last 83 amino acid(s) of the RHOBTB2 protein. This variant is present in population databases (rs765079656, gnomAD 0.0009%). This variant has not been reported in the literature in individuals affected with RHOBTB2-related conditions. In summary, the available evidence is currently insufficient to determine the role of this variant in disease. Therefore, it has been classified as a Variant of Uncertain Significance.